The following is an entry in ClinVar:

NM_001349206.2(LPIN1):c.1982A>G (p.Lys661Arg)

Gene: LPIN1 (lipin 1; plus strand). Cytogenetic location: 2p25.1.
Variant type: single nucleotide variant.
Coding change: c.1982A>G on transcript NM_001349206.2 (MANE Select); coding-DNA position 1982, A replaced by G.
Protein change: p.Lys661Arg; replaces lysine 661 with arginine.
Molecular consequence: missense variant. On other transcripts: non-coding transcript variant (1).
Genome position (GRCh38, 1-based): chr2:11,803,002, A>G. VCF-style: chr2-11803002-A-G. GRCh37 (hg19) VCF-style: chr2-11943128-A-G.
Other names: p.Lys625Arg; c.1892A>G, p.Lys631Arg (NM_001261427.3); c.2129A>G, p.Lys710Arg (NM_001261428.3); c.1874A>G, p.Lys625Arg (NM_001349199.2, NM_145693.4); c.1952A>G, p.Lys651Arg (NM_001349200.2, NM_001349201.2); c.1979A>G, p.Lys660Arg (NM_001349202.2, NM_001349203.2); c.1982A>G, p.Lys661Arg (NM_001349204.2, NM_001349205.2); c.2072A>G, p.Lys691Arg (NM_001349207.2); and 2 more; short protein forms K691R, K625R, K631R, K651R, K660R, K661R, K674R, K710R.
Identifiers: ClinVar variation 1400352 (VCV001400352.9), dbSNP rs768074360, ClinGen allele CA1533948.

ClinVar aggregate classification (germline): Uncertain significance. Review status: criteria provided, multiple submitters, no conflicts (2 of 4 stars). 4 submissions from 4 submitters: Uncertain significance (4). Last evaluated 2025-09-28.

Conditions:
Inborn genetic diseases. Identifiers: MedGen C0950123, MeSH D030342.
Myoglobinuria, acute recurrent, autosomal recessive. Also called: RHABDOMYOLYSIS, ACUTE RECURRENT; MYOGLOBINURIA, FAMILIAL PAROXYSMAL PARALYTIC; Myoglobinuria, recurrent, autosomal recessive. Identifiers: Orphanet 99845, MedGen C1849386, MONDO:0009992, OMIM 268200.

Allele frequency attached by ClinVar (database versions not stated): ExAC 0.00003; gnomAD exomes 0.00006 and 0.00007; gnomAD 0.00007; TOPMed 0.00007.
gnomAD v4.1: 105 of 1,612,880 alleles (0.0065%); highest among the groups gnomAD compares: Non-Finnish European, 0.0085%; 1 homozygote.

Submissions (4):

Ambry Genetics
Classification: Uncertain significance for Inborn genetic diseases. Last evaluated: 2025-09-28. Review status: criteria provided, single submitter. Criteria: Ambry Variant Classification Scheme 2023. Collection method: clinical testing. Allele origin: germline.

Mayo Clinic Laboratories, Mayo Clinic
Classification: Uncertain significance. Last evaluated: 2024-07-16. Review status: criteria provided, single submitter. Criteria: ACMG Guidelines, 2015. Collection method: clinical testing. Allele origin: germline. Observed: 1 variant allele.
Comment: BP4, PM2

Labcorp Genetics (formerly Invitae), Labcorp
Classification: Uncertain significance. Last evaluated: 2022-08-06. Review status: criteria provided, single submitter. Criteria: Invitae Variant Classification Sherloc (09022015). Collection method: clinical testing. Allele origin: germline.
Comment: This sequence change replaces lysine, which is basic and polar, with arginine, which is basic and polar, at codon 625 of the LPIN1 protein (p.Lys625Arg). This variant is present in population databases (rs768074360, gnomAD 0.01%). This variant has not been reported in the literature in individuals affected with LPIN1-related conditions. ClinVar contains an entry for this variant (Variation ID: 1400352). Algorithms developed to predict the effect of missense changes on protein structure and function output the following: SIFT: "Tolerated"; PolyPhen-2: "Benign"; Align-GVGD: "Class C0". The arginine amino acid residue is found in multiple mammalian species, which suggests that this missense change does not adversely affect protein function. Algorithms developed to predict the effect of sequence changes on RNA splicing suggest that this variant may create or strengthen a splice site. In summary, the available evidence is currently insufficient to determine the role of this variant in disease. Therefore, it has been classified as a Variant of Uncertain Significance.

Fulgent Genetics
Classification: Uncertain significance for Myoglobinuria, acute recurrent, autosomal recessive. Last evaluated: 2021-08-20. Review status: criteria provided, single submitter. Criteria: ACMG Guidelines, 2015. Collection method: clinical testing. Allele origin: unknown.